The following is an entry in ClinVar:

ClinVar aggregate classification (germline): Uncertain significance (1 of 4 stars; one submission).

Conditions:
Neuroblastoma, susceptibility to, 3. Also called: ALK-Related Neuroblastic Tumor Susceptibility. Identifiers: Orphanet 635, MedGen C2751681, MONDO:0013083, OMIM 613014.

gnomAD v4.1: 2 of 1,614,250 alleles (0.00012%); highest among the groups gnomAD compares: Non-Finnish European, 0.00017%; no homozygotes.

Submission:

Labcorp Genetics (formerly Invitae), Labcorp
Classification: Uncertain significance for Neuroblastoma, susceptibility to, 3. Last evaluated: 2025-01-01. Review status: criteria provided, single submitter. Criteria: Invitae Variant Classification Sherloc (09022015). Collection method: clinical testing. Allele origin: germline.
Comment: This sequence change replaces glycine, which is neutral and non-polar, with serine, which is neutral and polar, at codon 817 of the ALK protein (p.Gly817Ser). This variant is not present in population databases (gnomAD no frequency). This variant has not been reported in the literature in individuals affected with ALK-related conditions. An algorithm developed to predict the effect of missense changes on protein structure and function (PolyPhen-2) suggests that this variant is likely to be disruptive. In summary, the available evidence is currently insufficient to determine the role of this variant in disease. Therefore, it has been classified as a Variant of Uncertain Significance.

NM_004304.5(ALK):c.2449G>A (p.Gly817Ser)

Gene: ALK (ALK receptor tyrosine kinase; minus strand). Cytogenetic location: 2p23.2.
Variant type: single nucleotide variant.
Coding change: c.2449G>A on transcript NM_004304.5 (MANE Select); coding-DNA position 2449, G replaced by A.
Protein change: p.Gly817Ser; replaces glycine 817 with serine.
Molecular consequence: missense variant.
Genome position (GRCh38, 1-based): chr2:29,233,603, C>T on the plus strand (G>A on the coding strand, the complement: ALK is on the minus strand). VCF-style: chr2-29233603-C-T. GRCh37 (hg19) VCF-style: chr2-29456469-C-T.
Other names: short protein forms G817S.
Identifiers: ClinVar variation 3707061 (VCV003707061.2).